The following is an entry in ClinVar:

ClinVar aggregate classification (germline): Likely benign. Review status: criteria provided, multiple submitters, no conflicts (2 of 4 stars). 3 submissions from 3 submitters: Likely benign (3). Last evaluated 2025-12-15.

Conditions:
Bethlem myopathy 1A. Also called: Bethlem myopathy 1; Bethlem Muscular Dystrophy; MYOPATHY, BENIGN CONGENITAL, WITH CONTRACTURES. Identifiers: Orphanet 610, MedGen CN029274, MONDO:0024530, OMIM 158810.

Allele frequency attached by ClinVar (database versions not stated): 1000 Genomes Project 30x 0.00016; ExAC 0.00017; 1000 Genomes Project 0.00020; ESP Exome Variant Server 0.00023; gnomAD exomes 0.00023 and 0.00036; gnomAD 0.00024 and 0.00026; TOPMed 0.00025.
gnomAD v4.1: 559 of 1,613,084 alleles (0.035%); highest among the groups gnomAD compares: Non-Finnish European, 0.045%; no homozygotes.

Submissions (3):

Labcorp Genetics (formerly Invitae), Labcorp
Classification: Likely benign for Bethlem myopathy 1A. Last evaluated: 2025-12-15. Review status: criteria provided, single submitter. Criteria: Invitae Variant Classification Sherloc (09022015). Collection method: clinical testing. Allele origin: germline.

Blueprint Genetics
Classification: Likely benign. Last evaluated: 2024-09-12. Review status: criteria provided, single submitter. Criteria: ACMG Guidelines, 2015. Collection method: clinical testing. Allele origin: germline.

GeneDx
Classification: Likely benign. Last evaluated: 2016-08-31. Review status: criteria provided, single submitter. Criteria: GeneDx Variant Classification (06012015). Collection method: clinical testing. Allele origin: germline. Affected: yes.
Comment: This variant is considered likely benign or benign based on one or more of the following criteria: it is a conservative change, it occurs at a poorly conserved position in the protein, it is predicted to be benign by multiple in silico algorithms, and/or has population frequency not consistent with disease.

NM_004369.4(COL6A3):c.7092+20T>C

Gene: COL6A3 (collagen type VI alpha 3 chain; minus strand). Cytogenetic location: 2q37.3.
Variant type: single nucleotide variant.
Coding change: c.7092+20T>C on transcript NM_004369.4 (MANE Select); 20 bases into the intron after coding-DNA position 7092, T replaced by C.
Molecular consequence: intron variant.
Genome position (GRCh38, 1-based): chr2:237,346,483, A>G on the plus strand (T>C on the coding strand, the complement: COL6A3 is on the minus strand). VCF-style: chr2-237346483-A-G. GRCh37 (hg19) VCF-style: chr2-238255126-A-G.
Other names: c.5271+20T>C (NM_057166.5); c.6474+20T>C (NM_057167.4).
Identifiers: ClinVar variation 388787 (VCV000388787.10), dbSNP rs115681406, ClinGen allele CA2187943.